The following is an entry in ClinVar:

NM_201384.3(PLEC):c.7072G>A (p.Ala2358Thr)

Gene: PLEC (plectin; minus strand). Cytogenetic location: 8q24.3.
Variant type: single nucleotide variant.
Coding change: c.7072G>A on transcript NM_201384.3 (MANE Select); coding-DNA position 7072, G replaced by A.
Protein change: p.Ala2358Thr; replaces alanine 2358 with threonine.
Molecular consequence: missense variant. On other transcripts: intron variant (1).
Genome position (GRCh38, 1-based): chr8:143,922,857, C>T on the plus strand (G>A on the coding strand, the complement: PLEC is on the minus strand). VCF-style: chr8-143922857-C-T. GRCh37 (hg19) VCF-style: chr8-144997025-C-T.
Other names: c.7153G>A, p.Ala2385Thr (NM_000445.5); c.7030G>A, p.Ala2344Thr (NM_201378.4); c.7006G>A, p.Ala2336Thr (NM_201379.3); c.7483G>A, p.Ala2495Thr (NM_201380.4); c.6976G>A, p.Ala2326Thr (NM_201381.3); c.7072G>A, p.Ala2358Thr (NM_201382.4); c.7084G>A, p.Ala2362Thr (NM_201383.3); c.4126-462G>A (NM_001410941.1); short protein forms A2385T, A2326T, A2358T, A2336T, A2344T, A2362T, A2495T.
Identifiers: ClinVar variation 2923880 (VCV002923880.3), dbSNP rs1459791952, ClinGen allele CA372530071.
Genomic context (GRCh38, chr8:143,922,857, plus strand): 5'-TCTCCAGCTGCCGCTGCCGCTCGGCCTCCAGCGTCCGCTGGAAGCCCTGCGTCTCCTCCG[C>T]CAGCTGCTGCGCCATCTGCTCCTTGTCCTCCTGCAGCCGCCGCGCCTGCTCCTGCGCAAG-3'
Protein context (NP_958786.1, residues 2348-2368): EDKEQMAQQL[Ala2358Thr]EETQGFQRTL

ClinVar aggregate classification (germline): Uncertain significance (1 of 4 stars; one submission).

Conditions:
Epidermolysis bullosa simplex with nail dystrophy (EBS5D). Identifiers: MedGen C4225309, MONDO:0014661, OMIM 616487.
Epidermolysis bullosa simplex, Ogna type (EBS5A). Also called: EPIDERMOLYSIS BULLOSA SIMPLEX 5A, OGNA TYPE; Pidermolysis bullosa simplex 5A, Ogna type. Identifiers: Orphanet 79401, MedGen C0432317, MONDO:0007555, OMIM 131950.
Epidermolysis bullosa simplex 5C, with pyloric atresia (EBS5C). Also called: PLEC1-Related Epidermolysis Bullosa with Pyloric Atresia; PLEC-Related Epidermolysis Bullosa with Pyloric Atresia; Epidermolysis bullosa simplex with pyloric atresia. Identifiers: Orphanet 158684, MedGen C2677349, MONDO:0012807, OMIM 612138.
Autosomal recessive limb-girdle muscular dystrophy type 2Q (LGMDR17). Also called: MUSCULAR DYSTROPHY, LIMB-GIRDLE, AUTOSOMAL RECESSIVE 17. Identifiers: Orphanet 254361, MedGen C3150989, MONDO:0013390, OMIM 613723.
Epidermolysis bullosa simplex 5B, with muscular dystrophy (EBS5B). Also called: EPIDERMOLYSIS BULLOSA SIMPLEX AND LIMB-GIRDLE MUSCULAR DYSTROPHY; Epidermolysis bullosa simplex with muscular dystrophy. Identifiers: Orphanet 257, MedGen C2931072, MONDO:0009181, OMIM 226670.

Allele frequency attached by ClinVar (database versions not stated): gnomAD 0.00001; TOPMed 0.00003; gnomAD exomes 0.00005.

Submission:

Labcorp Genetics (formerly Invitae), Labcorp
Classification: Uncertain significance for Autosomal recessive limb-girdle muscular dystrophy type 2Q; Epidermolysis bullosa simplex, Ogna type; Epidermolysis bullosa simplex with nail dystrophy; Epidermolysis bullosa simplex 5C, with pyloric atresia; Epidermolysis bullosa simplex 5B, with muscular dystrophy. Last evaluated: 2025-06-15. Review status: criteria provided, single submitter. Criteria: Invitae Variant Classification Sherloc (09022015). Collection method: clinical testing. Allele origin: germline.
Comment: This sequence change replaces alanine, which is neutral and non-polar, with threonine, which is neutral and polar, at codon 2385 of the PLEC protein (p.Ala2385Thr). This variant is not present in population databases (gnomAD no frequency). This variant has not been reported in the literature in individuals affected with PLEC-related conditions. ClinVar contains an entry for this variant (Variation ID: 2923880). An algorithm developed to predict the effect of missense changes on protein structure and function (PolyPhen-2) suggests that this variant is likely to be tolerated. In summary, the available evidence is currently insufficient to determine the role of this variant in disease. Therefore, it has been classified as a Variant of Uncertain Significance.